The following is an entry in ClinVar:

ClinVar aggregate classification (germline): Uncertain significance. Review status: criteria provided, multiple submitters, no conflicts (2 of 4 stars). 2 submissions from 2 submitters: Uncertain significance (2). Last evaluated 2025-08-21.

Conditions:
Inborn genetic diseases. Identifiers: MedGen C0950123, MeSH D030342.
Deficiency of malonyl-CoA decarboxylase. Also called: Malonic aciduria; MCD deficiency. Identifiers: Orphanet 943, MedGen C0342793, MONDO:0009556, OMIM 248360.

Allele frequency attached by ClinVar (database versions not stated): TOPMed 0.00002; gnomAD 0.00003; gnomAD exomes 0.00004.
gnomAD v4.1: 53 of 1,612,226 alleles (0.0033%); highest among the groups gnomAD compares: Non-Finnish European, 0.0041%; no homozygotes.

Submissions (2):

Labcorp Genetics (formerly Invitae), Labcorp
Classification: Uncertain significance for Deficiency of malonyl-CoA decarboxylase. Last evaluated: 2025-08-21. Review status: criteria provided, single submitter. Criteria: Invitae Variant Classification Sherloc (09022015). Collection method: clinical testing. Allele origin: germline.
Comment: This sequence change replaces valine, which is neutral and non-polar, with methionine, which is neutral and non-polar, at codon 419 of the MLYCD protein (p.Val419Met). This variant is present in population databases (no rsID available, gnomAD 0.005%). This variant has not been reported in the literature in individuals affected with MLYCD-related conditions. ClinVar contains an entry for this variant (Variation ID: 657813). An algorithm developed to predict the effect of missense changes on protein structure and function (PolyPhen-2) suggests that this variant is likely to be disruptive. In summary, the available evidence is currently insufficient to determine the role of this variant in disease. Therefore, it has been classified as a Variant of Uncertain Significance.

Ambry Genetics
Classification: Uncertain significance for Inborn genetic diseases. Last evaluated: 2025-05-01. Review status: criteria provided, single submitter. Criteria: Ambry Variant Classification Scheme 2023. Collection method: clinical testing. Allele origin: germline.

NM_012213.3(MLYCD):c.1255G>A (p.Val419Met)

Gene: MLYCD (malonyl-CoA decarboxylase; plus strand). Cytogenetic location: 16q23.3.
Variant type: single nucleotide variant.
Coding change: c.1255G>A on transcript NM_012213.3 (MANE Select); coding-DNA position 1255, G replaced by A.
Protein change: p.Val419Met; replaces valine 419 with methionine.
Molecular consequence: missense variant.
Genome position (GRCh38, 1-based): chr16:83,915,262, G>A. VCF-style: chr16-83915262-G-A. GRCh37 (hg19) VCF-style: chr16-83948867-G-A.
Other names: short protein forms V419M.
Identifiers: ClinVar variation 657813 (VCV000657813.8), dbSNP rs773101554, ClinGen allele CA285430412.
Genomic context (GRCh38, chr16:83,915,262, plus strand): 5'-ATGAGGCTGTGCGCCTGGTACCTGTATGGAGAGAAGCACCGCGGCTACGCGCTGAACCCC[G>A]TGGCCAACTTCCACCTGCAGAACGGGGCGGTGCTGTGGCGCATCAACTGGATGGCGGATG-3'
Protein context (NP_036345.2, residues 409-429): EKHRGYALNP[Val419Met]ANFHLQNGAV